The following is an entry in ClinVar:

ClinVar aggregate classification (germline): Uncertain significance (1 of 4 stars; one submission).

Conditions:
Candidiasis, familial, 9 (CANDF9). Identifiers: Orphanet 1334, MedGen C4225324, MONDO:0014642, OMIM 616445.

Submission:

Labcorp Genetics (formerly Invitae), Labcorp
Classification: Uncertain significance for Candidiasis, familial, 9. Last evaluated: 2023-08-03. Review status: criteria provided, single submitter. Criteria: Invitae Variant Classification Sherloc (09022015). Collection method: clinical testing. Allele origin: germline.
Comment: In summary, the available evidence is currently insufficient to determine the role of this variant in disease. Therefore, it has been classified as a Variant of Uncertain Significance. Algorithms developed to predict the effect of missense changes on protein structure and function output the following: SIFT: "Not Available"; PolyPhen-2: "Benign"; Align-GVGD: "Not Available". The threonine amino acid residue is found in multiple mammalian species, which suggests that this missense change does not adversely affect protein function. This variant has not been reported in the literature in individuals affected with IL17RC-related conditions. This variant is not present in population databases (gnomAD no frequency). This sequence change replaces proline, which is neutral and non-polar, with threonine, which is neutral and polar, at codon 671 of the IL17RC protein (p.Pro671Thr).

NM_153460.4(IL17RC):c.1798C>A (p.Pro600Thr)

Gene: IL17RC (interleukin 17 receptor C; plus strand). Cytogenetic location: 3p25.3.
Variant type: single nucleotide variant.
Coding change: c.1798C>A on transcript NM_153460.4 (MANE Select); coding-DNA position 1798, C replaced by A.
Protein change: p.Pro600Thr; replaces proline 600 with threonine.
Molecular consequence: missense variant. On other transcripts: non-coding transcript variant (1).
Genome position (GRCh38, 1-based): chr3:9,933,228, C>A. VCF-style: chr3-9933228-C-A. GRCh37 (hg19) VCF-style: chr3-9974912-C-A.
Other names: c.1759C>A, p.Pro587Thr (NM_001203263.2); c.1708C>A, p.Pro570Thr (NM_001203264.2); c.1702C>A, p.Pro568Thr (NM_001203265.2); c.1720C>A, p.Pro574Thr (NM_001367278.1); c.1639C>A, p.Pro547Thr (NM_001367279.1); c.1714C>A, p.Pro572Thr (NM_001367280.1); c.1663C>A, p.Pro555Thr (NM_001410711.1); c.1753C>A, p.Pro585Thr (NM_032732.6); and 1 more; short protein forms P555T, P570T, P574T, P547T, P585T, P587T, P600T, P568T.
Identifiers: ClinVar variation 2730530 (VCV002730530.3), dbSNP rs1322440366, ClinGen allele CA351707391.